The following is an entry in ClinVar:

ClinVar aggregate classification (germline): Pathogenic/Likely pathogenic. Review status: criteria provided, multiple submitters, no conflicts (2 of 4 stars). 2 submissions from 2 submitters: Pathogenic (1); Likely pathogenic (1). Last evaluated 2023-06-22.

Conditions:
Early-infantile DEE. Also called: Early infantile epileptic encephalopathy; Early infantile epileptic encephalopathy with suppression bursts; Ohtahara syndrome. Identifiers: Orphanet 1934, MedGen C0393706, MONDO:0800491.
Severe myoclonic epilepsy in infancy (DRVT). Also called: Dravet syndrome; Severe Myoclonic Epilepsy in Infancy (SMEI); Epileptic encephalopathy, early infantile, 6 (Dravet syndrome); SEVERE MYOCLONIC EPILEPSY OF INFANCY; DEVELOPMENTAL AND EPILEPTIC ENCEPHALOPATHY 6A. Identifiers: Orphanet 33069, MedGen C0751122, MONDO:0100135, OMIM 607208.

Submissions (2):

Neuberg Centre For Genomic Medicine, NCGM
Classification: Likely pathogenic for Severe myoclonic epilepsy in infancy. Last evaluated: 2023-06-22. Review status: criteria provided, single submitter. Criteria: ACMG Guidelines, 2015. Collection method: clinical testing. Allele origin: germline. Inheritance: Autosomal dominant inheritance. Affected: yes.
Comment: The observed missense variant c.4072T>C(p.Trp1358Arg) in SCN1A gene has been reported previously in individual(s) with with Dravet syndrome. This variant is present in a mutational hotspot. Other variants (p.Trp1358Cys, p.Trp1358Leu) affecting the same position have been reported as pathogenic (Zuberi SM, et al., 2011; Zucca C, et al., 2008). This variant is absent in the gnomAD Exomes. This variant has been reported to the ClinVar database as Pathogenic. The amino acid Trp at position 1358 is changed to a Arg changing protein sequence and it might alter its composition and physico-chemical properties. Multiple lines of computational evidence (Polyphen - Possibly damaging, SIFT – Damaging and MutationTaster - Disease causing) predict a damaging effect on protein structure and function for this variant. The residue is conserved by GERP++ and PhyloP across 100 vertebrates. For these reasons, this variant has been classified as Likely Pathogenic.

Labcorp Genetics (formerly Invitae), Labcorp
Classification: Pathogenic for Early-infantile DEE. Last evaluated: 2022-05-30. Review status: criteria provided, single submitter. Criteria: Invitae Variant Classification Sherloc (09022015). Collection method: clinical testing. Allele origin: germline.
Comment: For these reasons, this variant has been classified as Pathogenic. This variant disrupts the p.Trp1358 amino acid residue in SCN1A. Other variant(s) that disrupt this residue have been determined to be pathogenic (Invitae). This suggests that this residue is clinically significant, and that variants that disrupt this residue are likely to be disease-causing. Advanced modeling of protein sequence and biophysical properties (such as structural, functional, and spatial information, amino acid conservation, physicochemical variation, residue mobility, and thermodynamic stability) performed at Invitae indicates that this missense variant is expected to disrupt SCN1A protein function. This missense change has been observed in individual(s) with Dravet syndrome (PMID: 21248271). In at least one individual the variant was observed to be de novo. This variant is not present in population databases (gnomAD no frequency). This sequence change replaces tryptophan, which is neutral and slightly polar, with arginine, which is basic and polar, at codon 1358 of the SCN1A protein (p.Trp1358Arg).

Literature cited by the submitters: PubMed 21248271 (cited by Labcorp Genetics (formerly Invitae), Labcorp).

NM_001165963.4(SCN1A):c.4072T>C (p.Trp1358Arg)

Genes: SCN1A (sodium voltage-gated channel alpha subunit 1; minus strand), LOC102724058 (uncharacterized LOC102724058; plus strand). Cytogenetic location: 2q24.3.
Variant type: single nucleotide variant.
Coding change: c.4072T>C on transcript NM_001165963.4 (MANE Select); coding-DNA position 4072, T replaced by C.
Protein change: p.Trp1358Arg; replaces tryptophan 1358 with arginine.
Molecular consequence: missense variant. On other transcripts: non-coding transcript variant (1).
Genome position (GRCh38, 1-based): chr2:166,002,684, A>G on the plus strand (T>C on the coding strand, the complement: SCN1A is on the minus strand). VCF-style: chr2-166002684-A-G. GRCh37 (hg19) VCF-style: chr2-166859194-A-G.
Other names: c.3988T>C, p.Trp1330Arg (NM_001165964.3, NM_001353957.2, NM_001353958.2); c.4072T>C, p.Trp1358Arg (NM_001202435.3, NM_001353948.2); c.4039T>C, p.Trp1347Arg (NM_001353949.2, NM_001353950.2, NM_001353951.2 and 2 more transcripts); c.4036T>C, p.Trp1346Arg (NM_001353954.2, NM_001353955.2); c.3985T>C, p.Trp1329Arg (NM_001353960.2); c.1630T>C, p.Trp544Arg (NM_001353961.2); short protein forms W1329R, W1330R, W1347R, W544R, W1358R, W1346R.
Identifiers: ClinVar variation 2203182 (VCV002203182.4), dbSNP rs2468437301, ClinGen allele CA349050613.
Genomic context (GRCh38, chr2:166,002,684, plus strand): 5'-TAATACAGTGGTAGAATTTGCCAGCAAACAAATTTACGCCCATGATGCTGAAAATTAGCC[A>G]GAATATAAGACAAACCAGAAGCACATTCATGATGGATGGAATTGCTCCTAAAAGGGCATT-3'
Protein context (NP_001159435.1, residues 1348-1368): MNVLLVCLIF[Trp1358Arg]LIFSIMGVNL